The following is an entry in ClinVar:

NM_206933.4(USH2A):c.13335_13337del (p.Glu4445_Asn4446delinsAsp)

Gene: USH2A (usherin; minus strand). Cytogenetic location: 1q41.
Variant type: Deletion.
Coding change: c.13335_13337del on transcript NM_206933.4 (MANE Select); coding-DNA positions 13335 to 13337, 3 bases deleted (GAA; older notation c.13335_13337delGAA).
Protein change: p.Glu4445_Asn4446delinsAsp.
Molecular consequence: inframe indel.
Genome position (GRCh38, 1-based): chr1:215,674,574-215,674,576, TTC deleted on the plus strand (GAA on the coding strand, the reverse complement: USH2A is on the minus strand); deleting any 3 consecutive bases within chr1:215,674,574-215,674,577 gives the same sequence; the c. name uses the placement nearest the transcript's 3' end. VCF-style (leftmost placement, unchanged base first): chr1-215674573-GTTC-G. GRCh37 (hg19) VCF-style: chr1-215847915-GTTC-G.
Identifiers: ClinVar variation 930728 (VCV000930728.7), dbSNP rs775556188, ClinGen allele CA1393311.

ClinVar aggregate classification (germline): Pathogenic/Likely pathogenic. Review status: criteria provided, multiple submitters, no conflicts (2 of 4 stars). 4 submissions from 4 submitters: Pathogenic (2); Likely pathogenic (2). Last evaluated 2023-12-22.

Conditions:
USH2A-related disorder. Also called: USH2A-related disorders; USH2A-related condition. Identifiers: MedGen CN239332.
Usher syndrome type 2A. Also called: RETINAL DISEASE IN USHER SYNDROME TYPE IIA, MODIFIER OF; USHER SYNDROME, TYPE IIA. Identifiers: Orphanet 231178, Orphanet 886, MedGen C1848634, MONDO:0010169, OMIM 276901.

Submissions (4):

Blueprint Genetics
Classification: Pathogenic for USH2A-related disorders. Last evaluated: 2023-12-22. Review status: criteria provided, single submitter. Criteria: ACMG Guidelines, 2015. Collection method: clinical testing. Allele origin: germline. Affected: yes. Observed: 5 variant alleles.

Genome-Nilou Lab
Classification: Likely pathogenic for Usher syndrome type 2A. Last evaluated: 2023-11-04. Review status: criteria provided, single submitter. Criteria: ACMG Guidelines, 2015. Collection method: clinical testing. Allele origin: germline. Affected: no.

Institute of Medical Genetics and Applied Genomics, University Hospital Tübingen
Classification: Likely pathogenic. Last evaluated: 2020-10-23. Review status: criteria provided, single submitter. Criteria: ACMG Guidelines, 2015. Collection method: clinical testing. Allele origin: germline. Inheritance: Autosomal recessive inheritance. Affected: yes.

Centre for Mendelian Genomics, University Medical Centre Ljubljana
Classification: Pathogenic for Usher syndrome type 2A. Last evaluated: 2020-01-19. Review status: criteria provided, single submitter. Criteria: ACMG Guidelines, 2015. Collection method: clinical testing. Allele origin: unknown. Affected: yes.
Comment: This variant was classified as: Pathogenic. The following ACMG criteria were applied in classifying this variant: PVS1,PM2,PP3. This variant was detected in homozygous state.